The following is an entry in ClinVar:

ClinVar aggregate classification (germline): Conflicting classifications of pathogenicity. Review status: criteria provided, conflicting classifications (1 of 4 stars). 2 submissions from 2 submitters: Uncertain significance (1); Likely benign (1). Last evaluated 2025-10-26.

Conditions:
Inborn genetic diseases. Identifiers: MedGen C0950123, MeSH D030342.

Allele frequency attached by ClinVar (database versions not stated): gnomAD exomes 0.00003; TOPMed 0.00003; gnomAD 0.00003.

Submissions (2):

Labcorp Genetics (formerly Invitae), Labcorp
Classification: Uncertain significance. Last evaluated: 2025-10-26. Review status: criteria provided, single submitter. Criteria: Invitae Variant Classification Sherloc (09022015). Collection method: clinical testing. Allele origin: germline.
Comment: This sequence change replaces valine, which is neutral and non-polar, with isoleucine, which is neutral and non-polar, at codon 482 of the SETD5 protein (p.Val482Ile). This variant is present in population databases (no rsID available, gnomAD 0.004%). This variant has not been reported in the literature in individuals affected with SETD5-related conditions. ClinVar contains an entry for this variant (Variation ID: 2271751). Invitae Evidence Modeling of protein sequence and biophysical properties (such as structural, functional, and spatial information, amino acid conservation, physicochemical variation, residue mobility, and thermodynamic stability) indicates that this missense variant is not expected to disrupt SETD5 protein function with a negative predictive value of 80%. In summary, the available evidence is currently insufficient to determine the role of this variant in disease. Therefore, it has been classified as a Variant of Uncertain Significance.

Ambry Genetics
Classification: Likely benign for Inborn genetic diseases. Last evaluated: 2022-01-10. Review status: criteria provided, single submitter. Criteria: Ambry Variant Classification Scheme 2023. Collection method: clinical testing. Allele origin: germline.

NM_001080517.3(SETD5):c.1444G>A (p.Val482Ile)

Gene: SETD5 (SET domain containing 5; plus strand). Cytogenetic location: 3p25.3.
Variant type: single nucleotide variant.
Coding change: c.1444G>A on transcript NM_001080517.3 (MANE Select); coding-DNA position 1444, G replaced by A.
Protein change: p.Val482Ile; replaces valine 482 with isoleucine.
Molecular consequence: missense variant.
Genome position (GRCh38, 1-based): chr3:9,445,660, G>A. VCF-style: chr3-9445660-G-A. GRCh37 (hg19) VCF-style: chr3-9487344-G-A.
Other names: c.1150G>A, p.Val384Ile (NM_001292043.2, NM_001349451.2); short protein forms V482I, V384I.
Identifiers: ClinVar variation 2271751 (VCV002271751.5), dbSNP rs1438851980, ClinGen allele CA351693959.